The following is an entry in ClinVar:

ClinVar aggregate classification (germline): Uncertain significance (0 of 4 stars; one submission).

Conditions:
TRPM1-related disorder. Also called: TRPM1-related condition.

Allele frequency attached by ClinVar (database versions not stated): gnomAD exomes below 0.00001; TOPMed below 0.00001.
gnomAD v4.1: 1 of 1,614,164 alleles (0.000062%); highest among the groups gnomAD compares: Non-Finnish European, 0.000085%; no homozygotes.

Submission:

PreventionGenetics, part of Exact Sciences
Classification: Uncertain significance for TRPM1-related condition. Last evaluated: 2024-01-02. Review status: no assertion criteria provided. Collection method: clinical testing. Allele origin: germline.
Comment: The TRPM1 c.916T>C variant is predicted to result in the amino acid substitution p.Tyr306His. To our knowledge, this variant has not been reported in the literature or in a large population database, indicating this variant is rare. At this time, the clinical significance of this variant is uncertain due to the absence of conclusive functional and genetic evidence.

NM_001252024.2(TRPM1):c.865T>C (p.Tyr289His)

Gene: TRPM1 (transient receptor potential cation channel subfamily M member 1; minus strand). Cytogenetic location: 15q13.3.
Variant type: single nucleotide variant.
Coding change: c.865T>C on transcript NM_001252024.2 (MANE Select); coding-DNA position 865, T replaced by C.
Protein change: p.Tyr289His; replaces tyrosine 289 with histidine.
Molecular consequence: missense variant.
Genome position (GRCh38, 1-based): chr15:31,063,218, A>G on the plus strand (T>C on the coding strand, the complement: TRPM1 is on the minus strand). VCF-style: chr15-31063218-A-G. GRCh37 (hg19) VCF-style: chr15-31355421-A-G.
Other names: c.916T>C, p.Tyr306His (NM_001252020.2); c.799T>C, p.Tyr267His (NM_002420.6); short protein forms Y267H, Y289H, Y306H.
Identifiers: ClinVar variation 3030674 (VCV003030674.2), dbSNP rs2034282545, ClinGen allele CA391528926.